The following is an entry in ClinVar:

NM_182914.3(SYNE2):c.15386A>T (p.Asp5129Val)

Gene: SYNE2 (spectrin repeat containing nuclear envelope protein 2; plus strand). Cytogenetic location: 14q23.2.
Variant type: single nucleotide variant.
Coding change: c.15386A>T on transcript NM_182914.3 (MANE Select); coding-DNA position 15386, A replaced by T.
Protein change: p.Asp5129Val; replaces aspartic acid 5129 with valine.
Molecular consequence: missense variant.
Genome position (GRCh38, 1-based): chr14:64,143,851, A>T. VCF-style: chr14-64143851-A-T. GRCh37 (hg19) VCF-style: chr14-64610569-A-T.
Other names: c.15386A>T, p.Asp5129Val (NM_015180.6); short protein forms D5129V.
Identifiers: ClinVar variation 2183115 (VCV002183115.4), dbSNP rs2549394630, ClinGen allele CA389943662.

ClinVar aggregate classification (germline): Uncertain significance (1 of 4 stars; one submission).

Conditions:
Emery-Dreifuss muscular dystrophy 5, autosomal dominant (EDMD5). Also called: EMERY-DREIFUSS MUSCULAR DYSTROPHY 5. Identifiers: Orphanet 261, MedGen C2751805, MONDO:0013072, OMIM 612999.

Allele frequency attached by ClinVar (database versions not stated): gnomAD exomes below 0.00001.
gnomAD v4.1: 6 of 1,614,204 alleles (0.00037%); highest among the groups gnomAD compares: African/African-American, 0.0013%; no homozygotes.

Submission:

Labcorp Genetics (formerly Invitae), Labcorp
Classification: Uncertain significance for Emery-Dreifuss muscular dystrophy 5, autosomal dominant. Last evaluated: 2023-05-15. Review status: criteria provided, single submitter. Criteria: Invitae Variant Classification Sherloc (09022015). Collection method: clinical testing. Allele origin: germline.
Comment: In summary, the available evidence is currently insufficient to determine the role of this variant in disease. Therefore, it has been classified as a Variant of Uncertain Significance. Algorithms developed to predict the effect of sequence changes on RNA splicing suggest that this variant may create or strengthen a splice site. An algorithm developed to predict the effect of missense changes on protein structure and function (PolyPhen-2) suggests that this variant is likely to be disruptive. ClinVar contains an entry for this variant (Variation ID: 2183115). This variant has not been reported in the literature in individuals affected with SYNE2-related conditions. This variant is not present in population databases (gnomAD no frequency). This sequence change replaces aspartic acid, which is acidic and polar, with valine, which is neutral and non-polar, at codon 5129 of the SYNE2 protein (p.Asp5129Val).